The following is an entry in ClinVar:

NM_001845.6(COL4A1):c.4887C>G (p.Tyr1629Ter)

Gene: COL4A1 (collagen type IV alpha 1 chain; minus strand). Cytogenetic location: 13q34.
Variant type: single nucleotide variant.
Coding change: c.4887C>G on transcript NM_001845.6 (MANE Select); coding-DNA position 4887, C replaced by G.
Protein change: p.Tyr1629Ter; replaces tyrosine 1629 with a stop codon.
Molecular consequence: nonsense.
Genome position (GRCh38, 1-based): chr13:110,152,375, G>C on the plus strand (C>G on the coding strand, the complement: COL4A1 is on the minus strand). VCF-style: chr13-110152375-G-C. GRCh37 (hg19) VCF-style: chr13-110804722-G-C.
Other names: short protein forms Y1629*.
Identifiers: ClinVar variation 1027966 (VCV001027966.3), dbSNP rs542803991, ClinGen allele CA388654164.
Genomic context (GRCh38, chr13:110,152,375, plus strand): 5'-AAGCAGTGCTCCCACTTACTTGAACATCTCGCTCCTCTCTATGGTGGCGAGCCAAAAGCT[G>C]TAAGCGTTTGCGTAGTAATTGCAGGTCCCACGGCCGTGACACTCGATGAATGGCGCACTT-3'

ClinVar aggregate classification (germline): Pathogenic (1 of 4 stars; one submission).

Conditions:
Brain small vessel disease 1 with or without ocular anomalies (BSVD1). Also called: Brain small vessel disease with or without ocular anomalies; BRAIN SMALL VESSEL DISEASE WITH HEMORRHAGE; GOULD SYNDROME 1; PORENCEPHALY, TYPE 1, AUTOSOMAL DOMINANT. Identifiers: Orphanet 2940, Orphanet 36383, Orphanet 99810, MedGen C4755307, MONDO:0008289, OMIM 175780.

Submission:

Baylor Genetics
Classification: Pathogenic for Brain small vessel disease 1 with or without ocular anomalies. Last evaluated: 2020-01-14. Review status: criteria provided, single submitter. Criteria: ACMG Guidelines, 2015. Collection method: clinical testing. Allele origin: unknown. Affected: yes.
Comment: This variant was determined to be pathogenic according to ACMG Guidelines, 2015 [PMID:25741868].